The following is an entry in ClinVar:

ClinVar aggregate classification (germline): Uncertain significance (1 of 4 stars; one submission).

Conditions:
X-linked agammaglobulinemia with growth hormone deficiency (IGHD3). Also called: FLEISHER SYNDROME; HYPOGAMMAGLOBULINEMIA AND ISOLATED GROWTH HORMONE DEFICIENCY, X-LINKED; IGHD III; Isolated growth hormone deficiency type 3; Growth hormone deficiency with hypogammaglobulinemia; ISOLATED GROWTH HORMONE DEFICIENCY, TYPE III, WITH AGAMMAGLOBULINEMIA. Identifiers: Orphanet 231692, Orphanet 631, MedGen C0472813, MONDO:0010615, OMIM 307200.

Submission:

Labcorp Genetics (formerly Invitae), Labcorp
Classification: Uncertain significance for X-linked agammaglobulinemia with growth hormone deficiency. Last evaluated: 2019-02-23. Review status: criteria provided, single submitter. Criteria: Invitae Variant Classification Sherloc (09022015). Collection method: clinical testing. Allele origin: germline.
Comment: This sequence change falls in intron 16 of the BTK gene. It does not directly change the encoded amino acid sequence of the BTK protein, but it affects a nucleotide within the consensus splice site of the intron. In summary, the available evidence is currently insufficient to determine the role of this variant in disease. Therefore, it has been classified as a Variant of Uncertain Significance. Nucleotide substitutions within the consensus splice site are a relatively common cause of aberrant splicing (PMID: 17576681, 9536098). Experimental studies have shown that this variant disrupts mRNA splicing (PMID: 11472359). This variant has been observed in an individual affected with symptoms consistent with X-linked agammaglobulinaemia (PMID: 11472359). This variant is not present in population databases (ExAC no frequency).

Literature cited by the submitters: PubMed 17576681; PubMed 9536098; PubMed 11472359.

NM_000061.3(BTK):c.1632-3C>A

Gene: BTK (Bruton tyrosine kinase; minus strand). Cytogenetic location: Xq22.1.
Variant type: single nucleotide variant.
Coding change: c.1632-3C>A on transcript NM_000061.3 (MANE Select); 3 bases into the intron before coding-DNA position 1632, C replaced by A.
Molecular consequence: intron variant.
Genome position (GRCh38, 1-based): chrX:101,353,991, G>T on the plus strand (C>A on the coding strand, the complement: BTK is on the minus strand). VCF-style: chrX-101353991-G-T. GRCh37 (hg19) VCF-style: chrX-100608979-G-T.
Other names: c.1734-3C>A (NM_001287344.2); c.1104-3C>A (NM_001287345.2).
Identifiers: ClinVar variation 858151 (VCV000858151.10), dbSNP rs1926384033, ClinGen allele CA916081274.
Genomic context (GRCh38, chrX:101,353,991, plus strand): 5'-CCACCGGACTGGAAATTTGGAGCCTACTGAGCTTGTGTATTCATCATCCAGGACATACCT[G>T]CAAGGGATTCAGGACTTGTTGCATTAGGATTTGGAGGCTTGATATTTGCTTACGTTTTCT-3'